The following is an entry in ClinVar:

ClinVar aggregate classification (germline): Uncertain significance (1 of 4 stars; one submission).

gnomAD v4.1: 1 of 1,607,822 alleles (0.000062%); highest among the groups gnomAD compares: African/African-American, 0.0013%; no homozygotes.

Submission:

Ambry Genetics
Classification: Uncertain significance. Last evaluated: 2024-07-05. Review status: criteria provided, single submitter. Criteria: Ambry Variant Classification Scheme 2023. Collection method: clinical testing. Allele origin: germline.
Comment: The p.S176L variant (also known as c.527C>T), located in coding exon 6 of the BUB1 gene, results from a C to T substitution at nucleotide position 527. The serine at codon 176 is replaced by leucine, an amino acid with dissimilar properties. This amino acid position is conserved. In addition, this alteration is predicted to be tolerated by in silico analysis. Based on the available evidence, the clinical significance of this variant remains unclear.

NM_004336.5(BUB1):c.527C>T (p.Ser176Leu)

Gene: BUB1 (BUB1 mitotic checkpoint serine/threonine kinase; minus strand). Cytogenetic location: 2q13.
Variant type: single nucleotide variant.
Coding change: c.527C>T on transcript NM_004336.5 (MANE Select); coding-DNA position 527, C replaced by T.
Protein change: p.Ser176Leu; replaces serine 176 with leucine.
Molecular consequence: missense variant.
Genome position (GRCh38, 1-based): chr2:110,669,493, G>A on the plus strand (C>T on the coding strand, the complement: BUB1 is on the minus strand). VCF-style: chr2-110669493-G-A. GRCh37 (hg19) VCF-style: chr2-111427070-G-A.
Other names: c.467C>T, p.Ser156Leu (NM_001278616.2); c.527C>T, p.Ser176Leu (NM_001278617.2); short protein forms S176L, S156L.
Identifiers: ClinVar variation 3483003 (VCV003483003.1).